The following is an entry in ClinVar:

NM_170606.3(KMT2C):c.12443C>T (p.Pro4148Leu)

Gene: KMT2C (lysine methyltransferase 2C; minus strand). Cytogenetic location: 7q36.1.
Variant type: single nucleotide variant.
Coding change: c.12443C>T on transcript NM_170606.3 (MANE Select); coding-DNA position 12443, C replaced by T.
Protein change: p.Pro4148Leu; replaces proline 4148 with leucine.
Molecular consequence: missense variant.
Genome position (GRCh38, 1-based): chr7:152,152,788, G>A on the plus strand (C>T on the coding strand, the complement: KMT2C is on the minus strand). VCF-style: chr7-152152788-G-A. GRCh37 (hg19) VCF-style: chr7-151849873-G-A.
Other names: short protein forms P4148L.
Identifiers: ClinVar variation 2066887 (VCV002066887.10), dbSNP rs141718495, ClinGen allele CA4578800.

ClinVar aggregate classification (germline): Conflicting classifications of pathogenicity. Review status: criteria provided, conflicting classifications (1 of 4 stars). 4 submissions from 4 submitters: Uncertain significance (1); Likely benign (2). 1 of the submissions does not count toward it. Last evaluated 2025-08-25.

Conditions:
KMT2C-related disorder. Also called: KMT2C-related condition; KMT2C-related disorders.
Kleefstra syndrome 2 (KLEFS2). Identifiers: MedGen C4540395, MONDO:0054701, OMIM 617768.
Inborn genetic diseases. Identifiers: MedGen C0950123, MeSH D030342.

Allele frequency attached by ClinVar (database versions not stated): ExAC 0.00002; gnomAD exomes 0.00004; TOPMed 0.00004; gnomAD 0.00006; ESP Exome Variant Server 0.00008.
gnomAD v4.1: 66 of 1,614,148 alleles (0.0041%); highest among the groups gnomAD compares: Middle Eastern, 0.033%; no homozygotes.

Submissions (4):

Labcorp Genetics (formerly Invitae), Labcorp
Classification: Likely benign. Last evaluated: 2025-08-25. Review status: criteria provided, single submitter. Criteria: Invitae Variant Classification Sherloc (09022015). Collection method: clinical testing. Allele origin: germline.

Ambry Genetics
Classification: Likely benign for Inborn genetic diseases. Last evaluated: 2022-07-06. Review status: criteria provided, single submitter. Criteria: Ambry Variant Classification Scheme 2023. Collection method: clinical testing. Allele origin: germline.

Revvity Omics, Revvity
Classification: Uncertain significance for Kleefstra syndrome 2. Last evaluated: 2022-01-12. Review status: criteria provided, single submitter. Criteria: ACMG Guidelines, 2015. Collection method: clinical testing. Allele origin: germline.

PreventionGenetics, part of Exact Sciences
Classification: Likely benign for KMT2C-related condition. Last evaluated: 2023-09-15. Review status: no assertion criteria provided. Collection method: clinical testing. Allele origin: germline. Not counted in ClinVar's aggregate classification.
Comment: This variant is classified as likely benign based on ACMG/AMP sequence variant interpretation guidelines (Richards et al. 2015 PMID: 25741868, with internal and published modifications).